The following is an entry in ClinVar:

NM_006979.3(SLC39A7):c.428T>C (p.Val143Ala)

Gene: SLC39A7 (solute carrier family 39 member 7; plus strand). Cytogenetic location: 6p21.32.
Variant type: single nucleotide variant.
Coding change: c.428T>C on transcript NM_006979.3 (MANE Select); coding-DNA position 428, T replaced by C.
Protein change: p.Val143Ala; replaces valine 143 with alanine.
Molecular consequence: missense variant.
Genome position (GRCh38, 1-based): chr6:33,201,761, T>C. VCF-style: chr6-33201761-T-C. GRCh37 (hg19) VCF-style: chr6-33169538-T-C.
Other names: c.428T>C (NM_006979.2); c.428T>C, p.Val143Ala (NM_001077516.2); c.53T>C, p.Val18Ala (NM_001288777.2); short protein forms V18A, V143A.
Identifiers: ClinVar variation 1931807 (VCV001931807.4), dbSNP rs572610614, ClinGen allele CA3752252.

ClinVar aggregate classification (germline): Uncertain significance. Review status: criteria provided, multiple submitters, no conflicts (2 of 4 stars). 3 submissions from 3 submitters: Uncertain significance (3). Last evaluated 2025-08-28.

Allele frequency attached by ClinVar (database versions not stated): gnomAD 0.00013; TOPMed 0.00015; 1000 Genomes Project 0.00020; 1000 Genomes Project 30x 0.00031.

Submissions (3):

Ambry Genetics
Classification: Uncertain significance. Last evaluated: 2025-08-28. Review status: criteria provided, single submitter. Criteria: Ambry Variant Classification Scheme 2023. Collection method: clinical testing. Allele origin: germline.

Blueprint Genetics
Classification: Uncertain significance. Last evaluated: 2024-06-11. Review status: criteria provided, single submitter. Criteria: ACMG Guidelines, 2015. Collection method: clinical testing. Allele origin: germline.

Labcorp Genetics (formerly Invitae), Labcorp
Classification: Uncertain significance. Last evaluated: 2022-07-02. Review status: criteria provided, single submitter. Criteria: Invitae Variant Classification Sherloc (09022015). Collection method: clinical testing. Allele origin: germline.
Comment: This sequence change replaces valine, which is neutral and non-polar, with alanine, which is neutral and non-polar, at codon 143 of the SLC39A7 protein (p.Val143Ala). This variant is present in population databases (rs572610614, gnomAD 0.03%). This variant has not been reported in the literature in individuals affected with SLC39A7-related conditions. Algorithms developed to predict the effect of missense changes on protein structure and function are either unavailable or do not agree on the potential impact of this missense change (SIFT: "Deleterious"; PolyPhen-2: "Benign"; Align-GVGD: "Class C25"). In summary, the available evidence is currently insufficient to determine the role of this variant in disease. Therefore, it has been classified as a Variant of Uncertain Significance.